The following is an entry in ClinVar:

NM_005886.3(KATNB1):c.1231G>A (p.Ala411Thr)

Gene: KATNB1 (katanin regulatory subunit B1; plus strand). Cytogenetic location: 16q21.
Variant type: single nucleotide variant.
Coding change: c.1231G>A on transcript NM_005886.3 (MANE Select); coding-DNA position 1231, G replaced by A.
Protein change: p.Ala411Thr; replaces alanine 411 with threonine.
Molecular consequence: missense variant.
Genome position (GRCh38, 1-based): chr16:57,754,932, G>A. VCF-style: chr16-57754932-G-A. GRCh37 (hg19) VCF-style: chr16-57788844-G-A.
Other names: short protein forms A411T.
Identifiers: ClinVar variation 2581730 (VCV002581730.2), dbSNP rs782208957, ClinGen allele CA8081122.

ClinVar aggregate classification (germline): Uncertain significance. Review status: criteria provided, multiple submitters, no conflicts (2 of 4 stars). 2 submissions from 2 submitters: Uncertain significance (2). Last evaluated 2024-09-11.

Conditions:
Inborn genetic diseases. Identifiers: MedGen C0950123, MeSH D030342.

Allele frequency attached by ClinVar (database versions not stated): gnomAD 0.00003; TOPMed 0.00003; gnomAD exomes 0.00005; ExAC 0.00009.
gnomAD v4.1: 78 of 1,613,834 alleles (0.0048%); highest among the groups gnomAD compares: South Asian, 0.0066%; no homozygotes.

Submissions (2):

Ambry Genetics
Classification: Uncertain significance for Inborn genetic diseases. Last evaluated: 2024-09-11. Review status: criteria provided, single submitter. Criteria: Ambry Variant Classification Scheme 2023. Collection method: clinical testing. Allele origin: germline.

GeneDx
Classification: Uncertain significance. Last evaluated: 2023-03-31. Review status: criteria provided, single submitter. Criteria: GeneDx Variant Classification Process June 2021. Collection method: clinical testing. Allele origin: germline. Affected: yes.
Comment: Not observed at significant frequency in large population cohorts (gnomAD); In silico analysis supports that this missense variant does not alter protein structure/function; Has not been previously published as pathogenic or benign to our knowledge